The following is an entry in ClinVar:

ClinVar aggregate classification (germline): Uncertain significance (1 of 4 stars; one submission).

Conditions:
Hereditary cancer-predisposing syndrome. Also called: Neoplastic Syndromes, Hereditary; Tumor predisposition; Hereditary neoplastic syndrome; Hereditary Cancer Syndrome. Identifiers: Orphanet 140162, MedGen C0027672, MeSH D009386, MONDO:0015356.

Submission:

Ambry Genetics
Classification: Uncertain significance for Hereditary cancer-predisposing syndrome. Last evaluated: 2023-01-12. Review status: criteria provided, single submitter. Criteria: Ambry Variant Classification Scheme 2023. Collection method: clinical testing. Allele origin: germline.
Comment: The p.K540T variant (also known as c.1619A>C), located in coding exon 9 of the SMARCA4 gene, results from an A to C substitution at nucleotide position 1619. The lysine at codon 540 is replaced by threonine, an amino acid with similar properties. This amino acid position is highly conserved in available vertebrate species. Missense and in-frame variants in SMARCA4 are known to cause neurodevelopmental disorders; however, such associations with rhabdoid tumor predisposition syndrome including small cell carcinoma of the ovary-hypercalcemic type (SCCOHT) are exceedingly rare (Kosho T et al. Am J Med Genet C Semin Med Genet. 2014 Sep;166C(3):262-75; Jelinic P et al. Nat Genet. 2014 May;46(5):424-6). In addition, the in silico prediction for this alteration is inconclusive. Since supporting evidence is limited at this time, the clinical significance of this alteration remains unclear.

NM_003072.5(SMARCA4):c.1619A>C (p.Lys540Thr)

Gene: SMARCA4 (SWI/SNF related BAF chromatin remodeling complex subunit ATPase 4; plus strand). Cytogenetic location: 19p13.2.
Variant type: single nucleotide variant.
Coding change: c.1619A>C on transcript NM_003072.5 (MANE Select); coding-DNA position 1619, A replaced by C.
Protein change: p.Lys540Thr; replaces lysine 540 with threonine.
Molecular consequence: missense variant. On other transcripts: non-coding transcript variant (1).
Genome position (GRCh38, 1-based): chr19:10,996,238, A>C. VCF-style: chr19-10996238-A-C. GRCh37 (hg19) VCF-style: chr19-11106914-A-C.
Other names: c.1619A>C, p.Lys540Thr (NM_001387283.1, NM_001411150.1, NM_001128844.3 and 6 more transcripts); short protein forms K540T.
Identifiers: ClinVar variation 2452862 (VCV002452862.2), dbSNP rs778357380, ClinGen allele CA404064264.